The following is an entry in ClinVar:

ClinVar aggregate classification (germline): Benign/Likely benign. Review status: criteria provided, multiple submitters, no conflicts (2 of 4 stars). 4 submissions from 4 submitters: Benign (1); Likely benign (3). Last evaluated 2026-02-04.

Conditions:
Nemaline myopathy 2 (NEM2). Also called: Nemaline myopathy 2, autosomal recessive. Identifiers: MedGen C1850569, MONDO:0009725, OMIM 256030.

Allele frequency attached by ClinVar (database versions not stated): 1000 Genomes Project 30x 0.00281; gnomAD exomes 0.00031 and 0.00113; gnomAD 0.00036 and 0.00050; TOPMed 0.00076; ExAC 0.00113; 1000 Genomes Project 0.00280.
gnomAD v4.1: 529 of 1,593,672 alleles (0.033%); highest among the groups gnomAD compares: East Asian, 1.1%; no homozygotes.

Submissions (4):

Labcorp Genetics (formerly Invitae), Labcorp
Classification: Benign for Nemaline myopathy 2. Last evaluated: 2026-02-04. Review status: criteria provided, single submitter. Criteria: Invitae Variant Classification Sherloc (09022015). Collection method: clinical testing. Allele origin: germline.

Blueprint Genetics
Classification: Likely benign. Last evaluated: 2024-11-20. Review status: criteria provided, single submitter. Criteria: ACMG Guidelines, 2015. Collection method: clinical testing. Allele origin: germline.

GeneDx
Classification: Likely benign. Last evaluated: 2017-11-03. Review status: criteria provided, single submitter. Criteria: GeneDx Variant Classification (06012015). Collection method: clinical testing. Allele origin: germline. Affected: yes.
Comment: This variant is considered likely benign or benign based on one or more of the following criteria: it is a conservative change, it occurs at a poorly conserved position in the protein, it is predicted to be benign by multiple in silico algorithms, and/or has population frequency not consistent with disease.

PreventionGenetics, part of Exact Sciences
Classification: Likely benign. Review status: criteria provided, single submitter. Criteria: ACMG Guidelines, 2015. Collection method: clinical testing. Allele origin: germline.

NM_001164508.2(NEB):c.11911-17T>C

Gene: NEB (nebulin; minus strand). Cytogenetic location: 2q23.3.
Variant type: single nucleotide variant.
Coding change: c.11911-17T>C on transcript NM_001164508.2 (MANE Select); 17 bases into the intron before coding-DNA position 11911, T replaced by C.
Molecular consequence: intron variant.
Genome position (GRCh38, 1-based): chr2:151,610,640, A>G on the plus strand (T>C on the coding strand, the complement: NEB is on the minus strand). VCF-style: chr2-151610640-A-G. GRCh37 (hg19) VCF-style: chr2-152467154-A-G.
Other names: c.11182-17T>C (NM_004543.5); c.11911-17T>C (NM_001164507.2, NM_001271208.2).
Identifiers: ClinVar variation 257725 (VCV000257725.10), dbSNP rs144836165, ClinGen allele CA1908632.